The following is an entry in ClinVar:

ClinVar aggregate classification (germline): Uncertain significance (1 of 4 stars; one submission).

Submission:

Labcorp Genetics (formerly Invitae), Labcorp
Classification: Uncertain significance. Last evaluated: 2024-12-09. Review status: criteria provided, single submitter. Criteria: Invitae Variant Classification Sherloc (09022015). Collection method: clinical testing. Allele origin: germline.
Comment: This sequence change replaces isoleucine, which is neutral and non-polar, with leucine, which is neutral and non-polar, at codon 1141 of the POLE protein (p.Ile1141Leu). This variant is not present in population databases (gnomAD no frequency). This variant has not been reported in the literature in individuals affected with POLE-related conditions. Invitae Evidence Modeling of protein sequence and biophysical properties (such as structural, functional, and spatial information, amino acid conservation, physicochemical variation, residue mobility, and thermodynamic stability) indicates that this missense variant is not expected to disrupt POLE protein function with a negative predictive value of 80%. In summary, the available evidence is currently insufficient to determine the role of this variant in disease. Therefore, it has been classified as a Variant of Uncertain Significance.

NM_006231.4(POLE):c.3421A>C (p.Ile1141Leu)

Gene: POLE (DNA polymerase epsilon, catalytic subunit; minus strand). Cytogenetic location: 12q24.33.
Variant type: single nucleotide variant.
Coding change: c.3421A>C on transcript NM_006231.4 (MANE Select); coding-DNA position 3421, A replaced by C.
Protein change: p.Ile1141Leu; replaces isoleucine 1141 with leucine.
Molecular consequence: missense variant.
Genome position (GRCh38, 1-based): chr12:132,657,387, T>G on the plus strand (A>C on the coding strand, the complement: POLE is on the minus strand). VCF-style: chr12-132657387-T-G. GRCh37 (hg19) VCF-style: chr12-133233973-T-G.
Other names: short protein forms I1141L.
Identifiers: ClinVar variation 3665661 (VCV003665661.2).